The following is an entry in ClinVar:

NM_017841.4(SDHAF2):c.36G>T (p.Leu12=)

Gene: SDHAF2 (succinate dehydrogenase complex assembly factor 2; plus strand). Cytogenetic location: 11q12.2.
Variant type: single nucleotide variant.
Coding change: c.36G>T on transcript NM_017841.4 (MANE Select); coding-DNA position 36, G replaced by T.
Protein change: p.Leu12=; no amino-acid change (leucine 12 retained).
Molecular consequence: synonymous variant.
Genome position (GRCh38, 1-based): chr11:61,430,182, G>T. VCF-style: chr11-61430182-G-T. GRCh37 (hg19) VCF-style: chr11-61197654-G-T.
Identifiers: ClinVar variation 1991504 (VCV001991504.7), dbSNP rs1861839623, ClinGen allele CA474519184.

ClinVar aggregate classification (germline): Uncertain significance. Review status: criteria provided, multiple submitters, no conflicts (2 of 4 stars). 3 submissions from 3 submitters: Uncertain significance (3). Last evaluated 2023-08-10.

Conditions:
Pheochromocytoma/paraganglioma syndrome 2. Also called: SDHAF2-Related Hereditary Paraganglioma-Pheochromocytoma Syndrome; GLOMUS TUMORS, FAMILIAL, 2; Paragangliomas 2; SDHAF2-Related Hereditary Paraganglioma-Pheochromocytoma Syndrome (Paragangliomas 2). Identifiers: Orphanet 29072, MedGen C1866552, MONDO:0011121, OMIM 601650.
Hereditary cancer-predisposing syndrome. Also called: Tumor predisposition; Hereditary Cancer Syndrome; Hereditary neoplastic syndrome; Neoplastic Syndromes, Hereditary. Identifiers: Orphanet 140162, MedGen C0027672, MeSH D009386, MONDO:0015356.
Hereditary pheochromocytoma and paraganglioma. Also called: Hereditary paragangliomas and pheochromocytomas; Hereditary Paraganglioma-Pheochromocytoma Syndromes; Hereditary pheochromocytoma-paraganglioma. Identifiers: Orphanet 29072, MedGen C4274332, MONDO:0017366.

Allele frequency attached by ClinVar (database versions not stated): gnomAD exomes below 0.00001.
gnomAD v4.1: 1 of 1,614,218 alleles (0.000062%); highest among the groups gnomAD compares: Non-Finnish European, 0.000085%; no homozygotes.

Submissions (3):

Ambry Genetics
Classification: Uncertain significance for Hereditary cancer-predisposing syndrome. Last evaluated: 2023-08-10. Review status: criteria provided, single submitter. Criteria: Ambry Variant Classification Scheme 2023. Collection method: clinical testing. Allele origin: germline.
Comment: The c.36G>T variant (also known as p.L12L), located in coding exon 1 of the SDHAF2 gene, results from a G to T substitution at nucleotide position 36. This nucleotide substitution does not change the leucine at codon 12. However, this change occurs in the last base pair of coding exon 1, which makes it likely to have some effect on normal mRNA splicing. This nucleotide position is highly conserved in available vertebrate species. In silico splice site analysis predicts that this alteration may weaken the native splice donor site and may result in the creation or strengthening of a novel splice donor site. RNA studies have demonstrated that this alteration results in an incomplete splice defect; the clinical impact of this abnormal splicing is unknown at this time (Ambry internal data). In addition, since this alteration occurs near the 5' end of the SDHAF2 gene, the resulting transcript may escape nonsense-mediated mRNA decay and/or be prone to rescue by reinitiation (Rivas et al. Science. 2015 May 8;348(6235):666-9; Lindeboom et al. Nat Genet. 2016 Oct;48(10):1112-8; Rhee et al. Sci Rep. 2017 May 10;7(1):1653), and there is an in-frame methionine at codon 13, which may result in an alternative transcriptional start site. Since supporting evidence is limited at this time, the clinical significance of this alteration remains unclear.

Baylor Genetics
Classification: Uncertain significance for Pheochromocytoma/paraganglioma syndrome 2. Last evaluated: 2023-06-02. Review status: criteria provided, single submitter. Criteria: ACMG Guidelines, 2015. Collection method: clinical testing. Allele origin: unknown.

Labcorp Genetics (formerly Invitae), Labcorp
Classification: Uncertain significance for Hereditary pheochromocytoma and paraganglioma. Last evaluated: 2022-10-05. Review status: criteria provided, single submitter. Criteria: Invitae Variant Classification Sherloc (09022015). Collection method: clinical testing. Allele origin: germline.
Comment: In summary, the available evidence is currently insufficient to determine the role of this variant in disease. Therefore, it has been classified as a Variant of Uncertain Significance. Algorithms developed to predict the effect of sequence changes on RNA splicing suggest that this variant may disrupt the consensus splice site. This variant has not been reported in the literature in individuals affected with SDHAF2-related conditions. This variant is not present in population databases (gnomAD no frequency). This sequence change affects codon 12 of the SDHAF2 mRNA. It is a 'silent' change, meaning that it does not change the encoded amino acid sequence of the SDHAF2 protein. It affects a nucleotide within the consensus splice site.